The following is an entry in ClinVar:

NM_005236.3(ERCC4):c.2677A>G (p.Asn893Asp)

Gene: ERCC4 (ERCC excision repair 4, endonuclease catalytic subunit; plus strand). Cytogenetic location: 16p13.12.
Variant type: single nucleotide variant.
Coding change: c.2677A>G on transcript NM_005236.3 (MANE Select); coding-DNA position 2677, A replaced by G.
Protein change: p.Asn893Asp; replaces asparagine 893 with aspartic acid.
Molecular consequence: missense variant.
Genome position (GRCh38, 1-based): chr16:13,948,273, A>G. VCF-style: chr16-13948273-A-G. GRCh37 (hg19) VCF-style: chr16-14042130-A-G.
Other names: short protein forms N893D.
Identifiers: ClinVar variation 579347 (VCV000579347.19), dbSNP rs201926295, ClinGen allele CA7910792.

ClinVar aggregate classification (germline): Uncertain significance. Review status: criteria provided, multiple submitters, no conflicts (2 of 4 stars). 8 submissions from 8 submitters: Uncertain significance (7). 1 of the submissions does not count toward it. Last evaluated 2026-02-11.

Conditions:
Xeroderma pigmentosum, group F (XPF). Also called: XERODERMA PIGMENTOSUM, COMPLEMENTATION GROUP F; XERODERMA PIGMENTOSUM VI; XP, GROUP F; ERCC4-Related Xeroderma Pigmentosum; XERODERMA PIGMENTOSUM, TYPE F; Xeroderma pigmentosum, type 6. Identifiers: MedGen C0268140, MONDO:0010215, OMIM 278760.
Inborn genetic diseases. Identifiers: MedGen C0950123, MeSH D030342.
Xeroderma pigmentosum (XP). Identifiers: Orphanet 910, MedGen C0043346, MONDO:0019600.
ERCC4-related disorder. Also called: ERCC4-related condition.
Fanconi anemia complementation group Q. Identifiers: Orphanet 84, MedGen C3808988, MONDO:0014108, OMIM 615272.
Cockayne syndrome. Identifiers: Orphanet 191, MedGen C0009207, MONDO:0016006.

Allele frequency attached by ClinVar (database versions not stated): ESP Exome Variant Server 0.00015; ExAC 0.00024; gnomAD exomes 0.00027 and 0.00042; TOPMed 0.00029; gnomAD 0.00034 and 0.00036.
gnomAD v4.1: 655 of 1,613,992 alleles (0.041%); highest among the groups gnomAD compares: Non-Finnish European, 0.052%; no homozygotes.

Submissions (8):

St. Jude Molecular Pathology, St. Jude Children's Research Hospital
Classification: Uncertain significance for Xeroderma pigmentosum, group F. Last evaluated: 2026-02-11. Review status: criteria provided, single submitter. Criteria: St. Jude Assertion Criteria 2020. Collection method: clinical testing. Allele origin: germline.
Comment: The ERCC4 c.2677A>G p.(Asn893Asp) missense change has a maximum subpopulation frequency of 0.048% in gnomAD v2.1.1. The in silico tool REVEL predicts a benign effect on protein function, but to our knowledge this prediction has not been confirmed by functional studies. To our knowledge, this variant has not been reported in individuals with Fanconi anemia or Xeroderma pigmentosum. In summary, the evidence currently available is insufficient to determine the clinical significance of this variant. It has therefore been classified as of uncertain significance.

Labcorp Genetics (formerly Invitae), Labcorp
Classification: Uncertain significance for Fanconi anemia complementation group Q; Xeroderma pigmentosum, group F; Cockayne syndrome. Last evaluated: 2026-01-19. Review status: criteria provided, single submitter. Criteria: Invitae Variant Classification Sherloc (09022015). Collection method: clinical testing. Allele origin: germline.
Comment: This sequence change replaces asparagine, which is neutral and polar, with aspartic acid, which is acidic and polar, at codon 893 of the ERCC4 protein (p.Asn893Asp). This variant is present in population databases (rs201926295, gnomAD 0.05%). This variant has not been reported in the literature in individuals affected with ERCC4-related conditions. ClinVar contains an entry for this variant (Variation ID: 579347). Invitae Evidence Modeling of protein sequence and biophysical properties (such as structural, functional, and spatial information, amino acid conservation, physicochemical variation, residue mobility, and thermodynamic stability) indicates that this missense variant is not expected to disrupt ERCC4 protein function with a negative predictive value of 80%. In summary, the available evidence is currently insufficient to determine the role of this variant in disease. Therefore, it has been classified as a Variant of Uncertain Significance.

Ambry Genetics
Classification: Uncertain significance for Inborn genetic diseases. Last evaluated: 2024-10-01. Review status: criteria provided, single submitter. Criteria: Ambry Variant Classification Scheme 2023. Collection method: clinical testing. Allele origin: germline.
Comment: The c.2677A>G (p.N893D) alteration is located in coding exon 11 of the ERCC4 gene. This alteration results from a A to G substitution at nucleotide position 2677, causing the asparagine (N) at amino acid position 893 to be replaced by an aspartic acid (D). Based on data from the Genome Aggregation Database (gnomAD) database, the ERCC4 c.2677A>G alteration was observed in 0.03% (74/282652) of total alleles studied, with a frequency of 0.05% (62/129044) in the European (non-Finnish) subpopulation. This amino acid position is well conserved in available vertebrate species. The p.N893D alteration is predicted to be tolerated by in silico analysis. Based on insufficient or conflicting evidence, the clinical significance of this alteration remains unclear.

Sema4
Classification: Uncertain significance for Xeroderma pigmentosum. Last evaluated: 2021-06-28. Review status: criteria provided, single submitter. Criteria: Sema4 Curation Guidelines. Collection method: curation. Allele origin: germline.
Comment: To the best of our knowledge, the ERCC4 c.2677A>G (p.N893D) variant has not been reported in individuals with ERCC4-related disease. It was observed in 62/129044 chromosomes of the Non-Finnish European subpopulation in the large and broad cohorts of the Genome Aggregation Database (PMID: 32461654). The variant has been reported in ClinVar (Variation ID 579347). Functional studies have not been performed, and in silico predictions of the variant's effect on protein function are inconclusive. The evidence is insufficient to meet ACMG/AMP criteria for classifying the variant as benign or pathogenic. Thus, the clinical significance of this variant is currently uncertain.

GeneDx
Classification: Uncertain significance. Last evaluated: 2021-05-21. Review status: criteria provided, single submitter. Criteria: GeneDx Variant Classification Process June 2021. Collection method: clinical testing. Allele origin: germline. Affected: yes.
Comment: In silico analysis supports that this missense variant does not alter protein structure/function; Has not been previously published as pathogenic or benign to our knowledge

Genetic Services Laboratory, University of Chicago
Classification: Uncertain significance. Last evaluated: 2021-05-19. Review status: criteria provided, single submitter. Criteria: ACMG Guidelines, 2015. Collection method: clinical testing. Allele origin: germline. Affected: no.

Mendelics
Classification: Uncertain significance for Xeroderma pigmentosum, group F. Last evaluated: 2019-05-28. Review status: criteria provided, single submitter. Criteria: Mendelics Assertion Criteria 2017. Collection method: clinical testing. Allele origin: unknown.

PreventionGenetics, part of Exact Sciences
Classification: Uncertain significance for ERCC4-related condition. Last evaluated: 2024-08-02. Review status: no assertion criteria provided. Collection method: clinical testing. Allele origin: germline. Not counted in ClinVar's aggregate classification.
Comment: The ERCC4 c.2677A>G variant is predicted to result in the amino acid substitution p.Asn893Asp. To our knowledge, this variant has not been reported in the literature. This variant is reported in 0.048% of alleles in individuals of European (Non-Finnish) descent in gnomAD. At this time, the clinical significance of this variant is uncertain due to the absence of conclusive functional and genetic evidence.